The following is an entry in ClinVar:

NM_033305.3(VPS13A):c.6251A>C (p.Glu2084Ala)

Gene: VPS13A (vacuolar protein sorting 13 homolog A; plus strand). Cytogenetic location: 9q21.2.
Variant type: single nucleotide variant.
Coding change: c.6251A>C on transcript NM_033305.3 (MANE Select); coding-DNA position 6251, A replaced by C.
Protein change: p.Glu2084Ala; replaces glutamic acid 2084 with alanine.
Molecular consequence: missense variant.
Genome position (GRCh38, 1-based): chr9:77,337,410, A>C. VCF-style: chr9-77337410-A-C. GRCh37 (hg19) VCF-style: chr9-79952326-A-C.
Other names: c.6134A>C, p.Glu2045Ala (NM_001018037.2); c.6251A>C, p.Glu2084Ala (NM_001018038.3, NM_015186.4); short protein forms E2045A, E2084A.
Identifiers: ClinVar variation 1302979 (VCV001302979.2), dbSNP rs2131498790, ClinGen allele CA373848432.

ClinVar aggregate classification (germline): Uncertain significance (1 of 4 stars; one submission).

Submission:

GeneDx
Classification: Uncertain significance. Last evaluated: 2019-10-28. Review status: criteria provided, single submitter. Criteria: GeneDx Variant Classification Process June 2021. Collection method: clinical testing. Allele origin: germline. Affected: yes.
Comment: Not observed in large population cohorts (Lek et al., 2016); In silico analysis, which includes protein predictors and evolutionary conservation, supports that this variant does not alter protein structure/function; Has not been previously published as pathogenic or benign to our knowledge